The following is an entry in ClinVar:

ClinVar aggregate classification (germline): Pathogenic. Review status: criteria provided, multiple submitters, no conflicts (2 of 4 stars). 2 submissions from 2 submitters: Pathogenic (2). Last evaluated 2024-05-02.

Conditions:
Cohen syndrome (COH1). Also called: Cutis verticis gyrata, retinitis pigmentosa, and sensorineural deafness; PEPPER SYNDROME. Identifiers: Orphanet 193, MedGen C0265223, MONDO:0008999, OMIM 216550.

Allele frequency attached by ClinVar (database versions not stated): gnomAD exomes below 0.00001.
gnomAD v4.1: 4 of 1,597,686 alleles (0.00025%); highest among the groups gnomAD compares: Non-Finnish European, 0.00017%; no homozygotes.

Submissions (2):

GeneDx
Classification: Pathogenic. Last evaluated: 2024-05-02. Review status: criteria provided, single submitter. Criteria: GeneDx Variant Classification Process June 2021. Collection method: clinical testing. Allele origin: germline. Affected: yes.
Comment: Nonsense variant predicted to result in protein truncation or nonsense mediated decay in a gene for which loss of function is a known mechanism of disease; Not observed at significant frequency in large population cohorts (gnomAD); Has not been previously published as pathogenic or benign to our knowledge

Labcorp Genetics (formerly Invitae), Labcorp
Classification: Pathogenic for Cohen syndrome. Last evaluated: 2023-10-22. Review status: criteria provided, single submitter. Criteria: Invitae Variant Classification Sherloc (09022015). Collection method: clinical testing. Allele origin: germline.
Comment: This sequence change creates a premature translational stop signal (p.Arg3752*) in the VPS13B gene. It is expected to result in an absent or disrupted protein product. Loss-of-function variants in VPS13B are known to be pathogenic (PMID: 15141358, 16648375, 20461111). The frequency data for this variant in the population databases is considered unreliable, as metrics indicate poor data quality at this position in the gnomAD database. This variant has not been reported in the literature in individuals affected with VPS13B-related conditions. Algorithms developed to predict the effect of sequence changes on RNA splicing suggest that this variant may disrupt the consensus splice site. For these reasons, this variant has been classified as Pathogenic.

Literature cited by the submitters: PubMed 15141358 (cited by Labcorp Genetics (formerly Invitae), Labcorp); PubMed 16648375 (cited by Labcorp Genetics (formerly Invitae), Labcorp); PubMed 20461111 (cited by Labcorp Genetics (formerly Invitae), Labcorp).

NM_152564.5(VPS13B):c.11179C>T (p.Arg3727Ter)

Gene: VPS13B (vacuolar protein sorting 13 homolog B; plus strand). Cytogenetic location: 8q22.2.
Variant type: single nucleotide variant.
Coding change: c.11179C>T on transcript NM_152564.5 (MANE Select); coding-DNA position 11179, C replaced by T.
Protein change: p.Arg3727Ter; replaces arginine 3727 with a stop codon.
Molecular consequence: nonsense.
Genome position (GRCh38, 1-based): chr8:99,861,910, C>T. VCF-style: chr8-99861910-C-T. GRCh37 (hg19) VCF-style: chr8-100874138-C-T.
Other names: c.11254C>T, p.Arg3752Ter (NM_017890.5); c.11254C>T (NM_017890.3); short protein forms R3727*, R3752*.
Identifiers: ClinVar variation 2731309 (VCV002731309.4), dbSNP rs1432822705, ClinGen allele CA371790695.